The following is an entry in ClinVar:

NM_052874.5(STX1B):c.338G>C (p.Arg113Pro)

Gene: STX1B (syntaxin 1B; minus strand). Cytogenetic location: 16p11.2.
Variant type: single nucleotide variant.
Coding change: c.338G>C on transcript NM_052874.5 (MANE Select); coding-DNA position 338, G replaced by C.
Protein change: p.Arg113Pro; replaces arginine 113 with proline.
Molecular consequence: missense variant.
Genome position (GRCh38, 1-based): chr16:30,997,518, C>G on the plus strand (G>C on the coding strand, the complement: STX1B is on the minus strand). VCF-style: chr16-30997518-C-G. GRCh37 (hg19) VCF-style: chr16-31008839-C-G.
Other names: short protein forms R113P.
Identifiers: ClinVar variation 4083121 (VCV004083121.1).
Genomic context (GRCh38, chr16:30,997,518, plus strand): 5'-GAGCTGGGTCCCGACCCGACCCCCAATGGGCTGCCGCCTCCTACCTGGGTCTTGCGGATG[C>G]GCAGGTCCGCGGAGGAACGGTTCAGCCCCTCCTCCTGTTCAATGCTTTGCTCGATCGCTG-3'
Protein context (NP_443106.1, residues 103-123): EGLNRSSADL[Arg113Pro]IRKTQHSTLS

ClinVar aggregate classification (germline): Uncertain significance (1 of 4 stars; one submission).

Submission:

GeneDx
Classification: Uncertain significance. Last evaluated: 2025-03-14. Review status: criteria provided, single submitter. Criteria: GeneDx Variant Classification Process June 2021. Collection method: clinical testing. Allele origin: germline. Affected: yes.
Comment: Not observed at significant frequency in large population cohorts (gnomAD); In silico analysis supports that this missense variant has a deleterious effect on protein structure/function; Has not been previously published as pathogenic or benign to our knowledge